The following is an entry in ClinVar:

ClinVar aggregate classification (germline): Likely benign (1 of 4 stars; one submission).

gnomAD v4.1: 1 of 1,613,828 alleles (0.000062%); highest among the groups gnomAD compares: Non-Finnish European, 0.000085%; no homozygotes.

Submission:

GeneDx
Classification: Likely benign. Last evaluated: 2017-10-06. Review status: criteria provided, single submitter. Criteria: GeneDx Variant Classification (06012015). Collection method: clinical testing. Allele origin: germline. Affected: yes.
Comment: This variant is considered likely benign or benign based on one or more of the following criteria: it is a conservative change, it occurs at a poorly conserved position in the protein, it is predicted to be benign by multiple in silico algorithms, and/or has population frequency not consistent with disease.

NM_001854.4(COL11A1):c.81C>T (p.Leu27=)

Gene: COL11A1 (collagen type XI alpha 1 chain; minus strand). Cytogenetic location: 1p21.1.
Variant type: single nucleotide variant.
Coding change: c.81C>T on transcript NM_001854.4 (MANE Select); coding-DNA position 81, C replaced by T.
Protein change: p.Leu27=; no amino-acid change (leucine 27 retained).
Molecular consequence: synonymous variant. On other transcripts: non-coding transcript variant (1).
Genome position (GRCh38, 1-based): chr1:103,108,098, G>A on the plus strand (C>T on the coding strand, the complement: COL11A1 is on the minus strand). VCF-style: chr1-103108098-G-A. GRCh37 (hg19) VCF-style: chr1-103573654-G-A.
Other names: c.81C>T, p.Leu27= (NM_001190709.2, NM_080629.3, NM_080630.4).
Identifiers: ClinVar variation 512520 (VCV000512520.1), dbSNP rs1027288806, ClinGen allele CA419197827.